The following is an entry in ClinVar:

ClinVar aggregate classification (germline): Uncertain significance (1 of 4 stars; one submission).

gnomAD v4.1: 2 of 1,614,158 alleles (0.00012%); no homozygotes.

Submission:

CeGaT Center for Human Genetics Tuebingen
Classification: Uncertain significance. Last evaluated: 2025-07-01. Review status: criteria provided, single submitter. Criteria: CeGaT Center For Human Genetics Tuebingen Variant Classification Criteria Version 2. Collection method: clinical testing. Allele origin: germline. Affected: yes. Observed: 1 variant allele.
Comment: LAMA2: PM2, BP4

NM_000426.4(LAMA2):c.3709C>A (p.Leu1237Ile)

Gene: LAMA2 (laminin subunit alpha 2; plus strand). Cytogenetic location: 6q22.33.
Variant type: single nucleotide variant.
Coding change: c.3709C>A on transcript NM_000426.4 (MANE Select); coding-DNA position 3709, C replaced by A.
Protein change: p.Leu1237Ile; replaces leucine 1237 with isoleucine.
Molecular consequence: missense variant.
Genome position (GRCh38, 1-based): chr6:129,315,629, C>A. VCF-style: chr6-129315629-C-A. GRCh37 (hg19) VCF-style: chr6-129636774-C-A.
Other names: c.3709C>A, p.Leu1237Ile (NM_001079823.2); short protein forms L1237I.
Identifiers: ClinVar variation 4084529 (VCV004084529.8).